The following is an entry in ClinVar:

NM_025114.4(CEP290):c.3460A>G (p.Lys1154Glu)

Gene: CEP290 (centrosomal protein 290; minus strand). Cytogenetic location: 12q21.32.
Variant type: single nucleotide variant.
Coding change: c.3460A>G on transcript NM_025114.4 (MANE Select); coding-DNA position 3460, A replaced by G.
Protein change: p.Lys1154Glu; replaces lysine 1154 with glutamic acid.
Molecular consequence: missense variant.
Genome position (GRCh38, 1-based): chr12:88,092,682, T>C on the plus strand (A>G on the coding strand, the complement: CEP290 is on the minus strand). VCF-style: chr12-88092682-T-C. GRCh37 (hg19) VCF-style: chr12-88486459-T-C.
Other names: c.3460A>G (NM_025114.3); short protein forms K1154E.
Identifiers: ClinVar variation 1445582 (VCV001445582.4), dbSNP rs753136596, ClinGen allele CA241167587.
Genomic context (GRCh38, chr12:88,092,682, plus strand): 5'-AAAGACAAATTAAAGAAGATACATCTAGTCAAATGGCTAAAATGCTTATATGCACTTACT[T>C]TGACACTTCAACTTTTAGTTCCATTTCATTCTTCTCTAATTCTAGAATCCGTTGCCTATC-3'
Protein context (NP_079390.3, residues 1144-1164): NEMELKVEVS[Lys1154Glu]LREISDIARR

ClinVar aggregate classification (germline): Uncertain significance. Review status: criteria provided, multiple submitters, no conflicts (2 of 4 stars). 2 submissions from 2 submitters: Uncertain significance (2). Last evaluated 2026-07-02.

Conditions:
CEP290-related disorder. Also called: CEP290-related condition; CEP290-related disorders. Identifiers: MedGen CN239314.
Nephronophthisis. Also called: Juvenile Nephronophthisis. Identifiers: Orphanet 655, MedGen C0687120, MONDO:0019005, HP:0000090.
Meckel-Gruber syndrome. Also called: DYSENCEPHALIA SPLANCHNOCYSTICA; GRUBER SYNDROME; Dysencephalia splachnocystica. Identifiers: Orphanet 564, MedGen C0265215, MONDO:0018921.
Joubert syndrome. Also called: JOUBERT-BOLTSHAUSER SYNDROME; Familial aplasia of the vermis. Identifiers: Orphanet 475, MedGen C5979921, MONDO:0018772.

Allele frequency attached by ClinVar (database versions not stated): gnomAD exomes below 0.00001; TOPMed 0.00001.
gnomAD v4.1: 5 of 1,608,250 alleles (0.00031%); highest among the groups gnomAD compares: African/African-American, 0.0013%; no homozygotes.

Submissions (2):

PreventionGenetics, part of Exact Sciences
Classification: Uncertain significance for CEP290-related condition. Last evaluated: 2026-07-02. Review status: criteria provided, single submitter. Criteria: ACMG Guidelines, 2015. Collection method: clinical testing. Allele origin: germline.
Comment: The CEP290 c.3460A>G variant is predicted to result in the amino acid substitution p.Lys1154Glu. To our knowledge, this variant has not been reported in the literature or in a large population database (gnomAD), indicating this variant is rare. At this time, the clinical significance of this variant is uncertain due to the absence of conclusive functional and genetic evidence.

Labcorp Genetics (formerly Invitae), Labcorp
Classification: Uncertain significance for Joubert syndrome; Meckel-Gruber syndrome; Nephronophthisis. Last evaluated: 2021-11-18. Review status: criteria provided, single submitter. Criteria: Invitae Variant Classification Sherloc (09022015). Collection method: clinical testing. Allele origin: germline.
Comment: This sequence change replaces lysine, which is basic and polar, with glutamic acid, which is acidic and polar, at codon 1154 of the CEP290 protein (p.Lys1154Glu). This variant is not present in population databases (gnomAD no frequency). This variant has not been reported in the literature in individuals affected with CEP290-related conditions. Algorithms developed to predict the effect of missense changes on protein structure and function are either unavailable or do not agree on the potential impact of this missense change (SIFT: "Deleterious"; PolyPhen-2: "Probably Damaging"; Align-GVGD: "Class C0"). In summary, the available evidence is currently insufficient to determine the role of this variant in disease. Therefore, it has been classified as a Variant of Uncertain Significance.